The following is an entry in ClinVar:

ClinVar aggregate classification (germline): Likely benign (1 of 4 stars; one submission).

Submission:

CeGaT Center for Human Genetics Tuebingen
Classification: Likely benign. Last evaluated: 2026-08-01. Review status: criteria provided, single submitter. Criteria: CeGaT Center For Human Genetics Tuebingen Variant Classification Criteria Version 2. Collection method: clinical testing. Allele origin: germline. Affected: yes. Observed: 1 variant allele.
Comment: APOB: PM2:Supporting, BP4, BP7

NM_000384.3(APOB):c.3978G>A (p.Val1326=)

Gene: APOB (apolipoprotein B; minus strand). Cytogenetic location: 2p24.1.
Variant type: single nucleotide variant.
Coding change: c.3978G>A on transcript NM_000384.3 (MANE Select); coding-DNA position 3978, G replaced by A.
Protein change: p.Val1326=; no amino-acid change (valine 1326 retained).
Molecular consequence: synonymous variant.
Genome position (GRCh38, 1-based): chr2:21,013,398, C>T on the plus strand (G>A on the coding strand, the complement: APOB is on the minus strand). VCF-style: chr2-21013398-C-T. GRCh37 (hg19) VCF-style: chr2-21236270-C-T.
Identifiers: ClinVar variation 5040455 (VCV005040455.1).